The following is an entry in ClinVar:

NM_001114753.3(ENG):c.397del (p.Val133fs)

Gene: ENG (endoglin; minus strand). Cytogenetic location: 9q34.11.
Variant type: Deletion.
Coding change: c.397del on transcript NM_001114753.3 (MANE Select); coding-DNA position 397, one base deleted (G; older notation c.397delG).
Protein change: p.Val133fs; shifts the reading frame from valine 133.
Molecular consequence: frameshift variant. On other transcripts: 5 prime UTR variant (1).
Genome position (GRCh38, 1-based): chr9:127,826,636, C deleted on the plus strand (G on the coding strand, the reverse complement: ENG is on the minus strand); the first of 5 consecutive C bases (chr9:127,826,636-127,826,640); deleting any one gives the same sequence. VCF-style (leftmost placement, unchanged base first): chr9-127826635-AC-A. GRCh37 (hg19) VCF-style: chr9-130588914-AC-A.
Other names: c.397delG (NM_000118.3); c.393delG, p.Val133Serfs (NM_000118.4, NM_001406715.1); c.-150del (NM_001278138.2); short protein forms V133fs.
Identifiers: ClinVar variation 663715 (VCV000663715.10), dbSNP rs1588583640, ClinGen allele CA915947186.

ClinVar aggregate classification (germline): Pathogenic/Likely pathogenic. Review status: criteria provided, multiple submitters, no conflicts (2 of 4 stars). 2 submissions from 2 submitters: Pathogenic (1); Likely pathogenic (1). Last evaluated 2023-06-30.

Conditions:
Hereditary hemorrhagic telangiectasia (HHT). Also called: ORW DISEASE; Osler Weber Rendu syndrome; OSLER-RENDU-WEBER DISEASE; Osler hemorrhagic telangiectasia syndrome. Identifiers: Orphanet 774, MedGen C0039445, MONDO:0019180. Disease mechanism: loss of function.

Submissions (2):

Clinical Genetics Laboratory, Skane University Hospital Lund
Classification: Likely pathogenic. Last evaluated: 2023-06-30. Review status: criteria provided, single submitter. Criteria: ACMG Guidelines, 2015. Collection method: clinical testing. Allele origin: germline. Affected: yes.

Labcorp Genetics (formerly Invitae), Labcorp
Classification: Pathogenic for Hereditary hemorrhagic telangiectasia. Last evaluated: 2018-11-12. Review status: criteria provided, single submitter. Criteria: Invitae Variant Classification Sherloc (09022015). Collection method: clinical testing. Allele origin: germline.
Comment: This sequence change creates a premature translational stop signal (p.Val133Serfs*30) in the ENG gene. It is expected to result in an absent or disrupted protein product. For these reasons, this variant has been classified as Pathogenic. Loss-of-function variants in ENG are known to be pathogenic (PMID: 15879500, 20656886, 22385575). This variant has not been reported in the literature in individuals with ENG-related disease. This variant is not present in population databases (ExAC no frequency).

Literature cited by the submitters: PubMed 15879500 (cited by Labcorp Genetics (formerly Invitae), Labcorp); PubMed 20656886 (cited by Labcorp Genetics (formerly Invitae), Labcorp); PubMed 22385575 (cited by Labcorp Genetics (formerly Invitae), Labcorp).